The following is an entry in ClinVar:

ClinVar aggregate classification (germline): Uncertain significance (1 of 4 stars; one submission).

Conditions:
Hypertrichotic osteochondrodysplasia Cantu type. Also called: Cantú Syndrome; Cantu Syndrome. Identifiers: Orphanet 1517, MedGen C0795905, MONDO:0009406, OMIM 239850.

Submission:

3billion
Classification: Uncertain significance for Hypertrichotic osteochondrodysplasia Cantu type. Last evaluated: 2024-12-26. Review status: criteria provided, single submitter. Criteria: ACMG Guidelines, 2015. Collection method: clinical testing. Allele origin: germline. Affected: yes.
Comment: The variant is not observed in the gnomAD v4.1.0 dataset. Predicted Consequence/Location: Missense variant. Missense changes are a common disease-causing mechanism. In silico tool predictions suggest damaging effect of the variant on gene or gene product [REVEL: 0.94 (>=0.6, sensitivity 0.68 and specificity 0.92); 3Cnet: 0.51 (>=0.6, sensitivity 0.72 and precision 0.9)]. Therefore, this variant is classified as VUS according to the recommendation of ACMG/AMP guideline.

NM_020297.4(ABCC9):c.2962T>C (p.Ser988Pro)

Gene: ABCC9 (ATP binding cassette subfamily C member 9; minus strand). Cytogenetic location: 12p12.1.
Variant type: single nucleotide variant.
Coding change: c.2962T>C on transcript NM_020297.4 (MANE Select); coding-DNA position 2962, T replaced by C.
Protein change: p.Ser988Pro; replaces serine 988 with proline.
Molecular consequence: missense variant.
Genome position (GRCh38, 1-based): chr12:21,845,737, A>G on the plus strand (T>C on the coding strand, the complement: ABCC9 is on the minus strand). VCF-style: chr12-21845737-A-G. GRCh37 (hg19) VCF-style: chr12-21998671-A-G.
Other names: c.2962T>C, p.Ser988Pro (NM_001377273.1, NM_005691.4); c.2095T>C, p.Ser699Pro (NM_001377274.1); short protein forms S699P, S988P.
Identifiers: ClinVar variation 4294031 (VCV004294031.1).